The following is an entry in ClinVar:

ClinVar aggregate classification (germline): Benign/Likely benign. Review status: criteria provided, multiple submitters, no conflicts (2 of 4 stars). 5 submissions from 5 submitters: Benign (1); Likely benign (3). 1 of the submissions does not count toward it. Last evaluated 2026-01-26.

Conditions:
Hereditary cancer-predisposing syndrome. Also called: Tumor predisposition; Neoplastic Syndromes, Hereditary; Hereditary Cancer Syndrome; Hereditary neoplastic syndrome. Identifiers: Orphanet 140162, MedGen C0027672, MeSH D009386, MONDO:0015356.
Hereditary diffuse gastric adenocarcinoma (HDGC). Also called: DIFFUSE GASTRIC AND LOBULAR BREAST CANCER SYNDROME. Identifiers: Orphanet 26106, MedGen C1708349, MONDO:0007648, OMIM 137215.
Malignant tumor of breast. Also called: Malignant breast neoplasm; Cancer breast. Identifiers: MedGen C0006142, MONDO:0007254. Disease mechanism: loss of function.

Allele frequency attached by ClinVar (database versions not stated): TOPMed 0.00001; gnomAD exomes below 0.00001.
gnomAD v4.1: 5 of 1,613,946 alleles (0.00031%); highest among the groups gnomAD compares: Non-Finnish European, 0.00042%; no homozygotes.

Submissions (5):

Labcorp Genetics (formerly Invitae), Labcorp
Classification: Likely benign for Hereditary diffuse gastric adenocarcinoma. Last evaluated: 2026-01-26. Review status: criteria provided, single submitter. Criteria: Invitae Variant Classification Sherloc (09022015). Collection method: clinical testing. Allele origin: germline.

Myriad Genetics, Inc.
Classification: Benign for Hereditary diffuse gastric adenocarcinoma. Last evaluated: 2024-09-19. Review status: criteria provided, single submitter. Criteria: Myriad Autosomal Dominant, Autosomal Recessive and X-Linked Classification Criteria (2023). Collection method: clinical testing. Allele origin: unknown.
Comment: This variant is considered benign. This variant is a silent/synonymous amino acid change and it is not expected to impact splicing.

Color Diagnostics, LLC DBA Color Health
Classification: Likely benign for Hereditary cancer-predisposing syndrome. Last evaluated: 2017-08-14. Review status: criteria provided, single submitter. Criteria: ACMG Guidelines, 2015. Collection method: clinical testing. Allele origin: germline.

Ambry Genetics
Classification: Likely benign for Hereditary cancer-predisposing syndrome. Last evaluated: 2016-10-25. Review status: criteria provided, single submitter. Criteria: Ambry Variant Classification Scheme 2023. Collection method: clinical testing. Allele origin: germline.

Department of Pathology and Laboratory Medicine, Sinai Health System
Classification: Likely benign for Malignant tumor of breast. Review status: no assertion criteria provided. Collection method: clinical testing. Allele origin: unknown. Affected: yes. Study: The Canadian Open Genetics Repository (COGR). Not counted in ClinVar's aggregate classification.
Comment: The CDH1 p.His555= variant was not identified in the literature. The variant was identified in dbSNP (rs559270110) as â€šÃ„Ãºwith likely benign alleleâ€šÃ„Ã¹ and ClinVar (classified as likely benign by Invitae, Color and Ambry Genetics). The variant was not identified in the following control databases: the Exome Aggregation Consortium (August 8th 2016) or the Genome Aggregation Database (Feb 27, 2017). The p.His555= variant is not expected to have clinical significance because it does not result in a change of amino acid and is not located in a known consensus splice site. The variant occurs at a non-highly conserved nucleotide outside of the splicing consensus sequence and in silico or computational prediction software programs (SpliceSiteFinder, MaxEntScan, NNSPLICE, GeneSplicer) do not predict a difference in splicing. In summary, based on the above information, the clinical significance of this variant cannot be determined with certainty at this time although we would lean towards a more benign role for this variant. This variant is classified as likely benign.

NM_004360.5(CDH1):c.1665C>T (p.His555=)

Gene: CDH1 (cadherin 1; plus strand). Cytogenetic location: 16q22.1.
Variant type: single nucleotide variant.
Coding change: c.1665C>T on transcript NM_004360.5 (MANE Select); coding-DNA position 1665, C replaced by T.
Protein change: p.His555=; no amino-acid change (histidine 555 retained).
Molecular consequence: synonymous variant. On other transcripts: intron variant (1).
Genome position (GRCh38, 1-based): chr16:68,819,379, C>T. VCF-style: chr16-68819379-C-T. GRCh37 (hg19) VCF-style: chr16-68853282-C-T.
Other names: c.1665C>T (LRG_301t1); c.1482C>T, p.His494= (NM_001317184.2); c.117C>T, p.His39= (NM_001317185.2); c.-254-2622C>T (NM_001317186.2).
Identifiers: ClinVar variation 414066 (VCV000414066.21), dbSNP rs559270110, ClinGen allele CA16615245.
Genomic context (GRCh38, chr16:68,819,379, plus strand): 5'-TAATCCGGACACTGGTGCCATTTCCACTCGGGCTGAGCTGGACAGGGAGGATTTTGAGCA[C>T]GTGAAGAACAGCACGTACACAGCCCTAATCATAGCTACAGACAATGGTAAGGGGGCCTCA-3'
Protein context (NP_004351.1, residues 545-565): RAELDREDFE[His555=]VKNSTYTALI